The following is an entry in ClinVar:

ClinVar aggregate classification (germline): Uncertain significance. Review status: criteria provided, multiple submitters, no conflicts (2 of 4 stars). 3 submissions from 3 submitters: Uncertain significance (3). Last evaluated 2024-02-21.

Conditions:
Inborn genetic diseases. Identifiers: MedGen C0950123, MeSH D030342.
Infantile-onset ascending hereditary spastic paralysis (IAHSP). Also called: Autosomal Recessive Juvenile Amyotrophic Lateral Sclerosis; Infantile-Onset Ascending Hereditary Spastic Paralysis (IAHSP). Identifiers: Orphanet 293168, MedGen C2931441, MONDO:0011797, OMIM 607225. Disease mechanism: loss of function.

Allele frequency attached by ClinVar (database versions not stated): gnomAD exomes below 0.00001; ExAC 0.00001; gnomAD 0.00001; TOPMed 0.00001.
gnomAD v4.1: 4 of 1,614,036 alleles (0.00025%); highest among the groups gnomAD compares: African/African-American, 0.0053%; no homozygotes.

Submissions (3):

Ambry Genetics
Classification: Uncertain significance for Inborn genetic diseases. Last evaluated: 2024-02-21. Review status: criteria provided, single submitter. Criteria: Ambry Variant Classification Scheme 2023. Collection method: clinical testing. Allele origin: germline.

Women's Health and Genetics/Laboratory Corporation of America, LabCorp
Classification: Uncertain significance. Last evaluated: 2023-10-06. Review status: criteria provided, single submitter. Criteria: LabCorp Variant Classification Summary - May 2015. Collection method: clinical testing. Allele origin: germline.
Comment: Variant summary: ALS2 c.329G>T (p.Gly110Val) results in a non-conservative amino acid change in the encoded protein sequence. Five of five in-silico tools predict a damaging effect of the variant on protein function. The variant allele was found at a frequency of 4e-06 in 249356 control chromosomes. The available data on variant occurrences in the general population are insufficient to allow any conclusion about variant significance. To our knowledge, no occurrence of c.329G>T in individuals affected with ALS2-Related Disorders and no experimental evidence demonstrating its impact on protein function have been reported. One submitter has cited clinical-significance assessments for this variant to ClinVar after 2014 and has classified the variant as uncertain significance. Based on the evidence outlined above, the variant was classified as uncertain significance.

Labcorp Genetics (formerly Invitae), Labcorp
Classification: Uncertain significance for Infantile-onset ascending hereditary spastic paralysis. Last evaluated: 2019-01-14. Review status: criteria provided, single submitter. Criteria: Invitae Variant Classification Sherloc (09022015). Collection method: clinical testing. Allele origin: germline.
Comment: Algorithms developed to predict the effect of missense changes on protein structure and function are either unavailable or do not agree on the potential impact of this missense change (SIFT: "Deleterious"; PolyPhen-2: "Probably Damaging"; Align-GVGD: "Class C0"). This variant is present in population databases (rs758017229, ExAC 0.01%). This sequence change replaces glycine with valine at codon 110 of the ALS2 protein (p.Gly110Val). The glycine residue is moderately conserved and there is a moderate physicochemical difference between glycine and valine. In summary, the available evidence is currently insufficient to determine the role of this variant in disease. Therefore, it has been classified as a Variant of Uncertain Significance.

NM_020919.4(ALS2):c.329G>T (p.Gly110Val)

Gene: ALS2 (alsin Rho guanine nucleotide exchange factor ALS2; minus strand). Cytogenetic location: 2q33.1.
Variant type: single nucleotide variant.
Coding change: c.329G>T on transcript NM_020919.4 (MANE Select); coding-DNA position 329, G replaced by T.
Protein change: p.Gly110Val; replaces glycine 110 with valine.
Molecular consequence: missense variant.
Genome position (GRCh38, 1-based): chr2:201,761,665, C>A on the plus strand (G>T on the coding strand, the complement: ALS2 is on the minus strand). VCF-style: chr2-201761665-C-A. GRCh37 (hg19) VCF-style: chr2-202626388-C-A.
Other names: c.329G>T, p.Gly110Val (NM_001135745.2); short protein forms G110V.
Identifiers: ClinVar variation 643618 (VCV000643618.10), dbSNP rs758017229, ClinGen allele CA2058671.
Genomic context (GRCh38, chr2:201,761,665, plus strand): 5'-TACTGCTGGTTGGCTACTGCACACTGGCCAGCAGAATTCTCTCCCCACATGTACGCGACA[C>A]CATTGTCTGTCACTGCTCCACTATGGAAGCTTCCTGTTGCCACAGTAATAACATATTGCC-3'
Protein context (NP_065970.2, residues 100-120): SFHSGAVTDN[Gly110Val]VAYMWGENSA